The following is an entry in ClinVar:

NM_020717.5(SHROOM4):c.4110G>A (p.Gly1370=)

Gene: SHROOM4 (shroom family member 4; minus strand). Cytogenetic location: Xp11.22.
Variant type: single nucleotide variant.
Coding change: c.4110G>A on transcript NM_020717.5 (MANE Select); coding-DNA position 4110, G replaced by A.
Protein change: p.Gly1370=; no amino-acid change (glycine 1370 retained).
Molecular consequence: synonymous variant. On other transcripts: non-coding transcript variant (4).
Genome position (GRCh38, 1-based): chrX:50,598,368, C>T on the plus strand (G>A on the coding strand, the complement: SHROOM4 is on the minus strand). VCF-style: chrX-50598368-C-T. GRCh37 (hg19) VCF-style: chrX-50341368-C-T.
Identifiers: ClinVar variation 3053385 (VCV003053385.2), dbSNP rs1929223777, ClinGen allele CA516378146.
Genomic context (GRCh38, chrX:50,598,368, plus strand): 5'-CTCCACCCGGGCCAGTCGTCCAGAGAGTGACAGCAACAGGTTGACCACTTTGTCCAGGTC[C>T]CCAACAAACAAGTGGTACTTTTCAAATTCATTGGATTTGCAGACGGCTTTTAAGTTGGCC-3'
Protein context (NP_065768.2, residues 1360-1380): NEFEKYHLFV[Gly1370=]DLDKVVNLLL

ClinVar aggregate classification (germline): Likely benign (0 of 4 stars; one submission).

Conditions:
SHROOM4-related disorder. Also called: SHROOM4-related condition.

Allele frequency attached by ClinVar (database versions not stated): TOPMed below 0.00001; gnomAD 0.00001.

Submission:

PreventionGenetics, part of Exact Sciences
Classification: Likely benign for SHROOM4-related condition. Last evaluated: 2019-09-05. Review status: no assertion criteria provided. Collection method: clinical testing. Allele origin: germline.
Comment: This variant is classified as likely benign based on ACMG/AMP sequence variant interpretation guidelines (Richards et al. 2015 PMID: 25741868, with internal and published modifications).